The following is an entry in ClinVar:

ClinVar aggregate classification (germline): Pathogenic (1 of 4 stars; one submission).

Conditions:
Hereditary cancer-predisposing syndrome. Also called: Neoplastic Syndromes, Hereditary; Tumor predisposition; Hereditary Cancer Syndrome; Hereditary neoplastic syndrome. Identifiers: Orphanet 140162, MedGen C0027672, MeSH D009386, MONDO:0015356.

Submission:

Ambry Genetics
Classification: Pathogenic for Hereditary cancer-predisposing syndrome. Last evaluated: 2026-07-29. Review status: criteria provided, single submitter. Criteria: Ambry Variant Classification Scheme 2023. Collection method: clinical testing. Allele origin: germline.
Comment: The c.5267_5268delCTinsTCG pathogenic mutation, located in coding exon 15 of the APC gene, results from the deletion of two nucleotides and insertion of 3 nucleotides causing a translational frameshift with a predicted alternate stop codon (p.S1756Ffs*13). This variant was reported in individuals with features consistent with familial adenomatous polyposis (Ambry internal data). This alteration occurs at the 3' terminus of the gene, is not expected to trigger nonsense-mediated mRNA decay, and impacts the last 38% of the protein. However, premature stop codons are typically deleterious in nature, the impacted region is critical for protein function, and a significant portion of the protein is affected (Ambry internal data). This variant is considered to be rare based on population cohorts in the Genome Aggregation Database (gnomAD). Based on the majority of available evidence to date, this variant is likely to be pathogenic.

NM_000038.6(APC):c.5267_5268delinsTCG (p.Ser1756fs)

Gene: APC (APC regulator of Wnt signaling pathway; plus strand). Cytogenetic location: 5q22.2.
Variant type: Indel.
Coding change: c.5267_5268delinsTCG on transcript NM_000038.6 (MANE Select); coding-DNA positions 5267 to 5268, CT replaced by TCG.
Protein change: p.Ser1756fs; shifts the reading frame from serine 1756.
Molecular consequence: frameshift variant. On other transcripts: non-coding transcript variant (2).
Genome position (GRCh38, 1-based): chr5:112,840,861-112,840,862, CT replaced by TCG. VCF-style: chr5-112840861-CT-TCG. GRCh37 (hg19) VCF-style: chr5-112176558-CT-TCG.
Other names: c.5267_5268delinsTCG, p.Ser1756fs (NM_001127510.3, NM_001354895.2, NM_001407450.1); c.5213_5214delinsTCG, p.Ser1738fs (NM_001127511.3); c.5321_5322delinsTCG, p.Ser1774fs (NM_001354896.2, NM_001407447.1, NM_001407448.1 and 1 more transcripts); c.5297_5298delinsTCG, p.Ser1766fs (NM_001354897.2); c.5192_5193delinsTCG, p.Ser1731fs (NM_001354898.2); c.5183_5184delinsTCG, p.Ser1728fs (NM_001354899.2); c.5144_5145delinsTCG, p.Ser1715fs (NM_001354900.2); c.5090_5091delinsTCG, p.Ser1697fs (NM_001354901.2, NM_001407453.1); and 11 more; short protein forms S1596fs, S1697fs, S1746fs, S1756fs, S1473fs, S1627fs, S1630fs, S1738fs.
Identifiers: ClinVar variation 4592394 (VCV004592394.2).
Genomic context (GRCh38, chr5:112,840,861, plus strand): 5'-AAAGTCACAAGCCTTTCCGTGTGAAAAAGATAATGGACCAGGTCCAGCAAGCATCTGCGT[CT>TCG]TCTTCTGCACCCAACAAAAATCAGTTAGATGGTAAGAAAAAGAAACCAACTTCACCAGTA-3'